The following is an entry in ClinVar:

ClinVar aggregate classification (germline): Likely benign (1 of 4 stars; one submission).

Submission:

CeGaT Center for Human Genetics Tuebingen
Classification: Likely benign. Last evaluated: 2026-01-01. Review status: criteria provided, single submitter. Criteria: CeGaT Center For Human Genetics Tuebingen Variant Classification Criteria Version 2. Collection method: clinical testing. Allele origin: germline. Affected: yes. Observed: 1 variant allele.
Comment: PRIMPOL: BS2

NM_152683.4(PRIMPOL):c.871C>T (p.Arg291Trp)

Gene: PRIMPOL (primase and DNA directed polymerase; plus strand). Cytogenetic location: 4q35.1.
Variant type: single nucleotide variant.
Coding change: c.871C>T on transcript NM_152683.4 (MANE Select); coding-DNA position 871, C replaced by T.
Protein change: p.Arg291Trp; replaces arginine 291 with tryptophan.
Molecular consequence: missense variant. On other transcripts: non-coding transcript variant (2), intron variant (1).
Genome position (GRCh38, 1-based): chr4:184,678,258, C>T. VCF-style: chr4-184678258-C-T. GRCh37 (hg19) VCF-style: chr4-185599412-C-T.
Other names: c.484C>T, p.Arg162Trp (NM_001300767.2); c.871C>T, p.Arg291Trp (NM_001300768.2, NM_001345891.2, NM_001345892.2 and 3 more transcripts); c.175C>T, p.Arg59Trp (NM_001345894.2, NM_001345897.2, NM_001345898.2 and 1 more transcripts); c.346C>T, p.Arg116Trp (NM_001345900.2); c.844+5798C>T (NM_001345899.2); short protein forms R116W, R162W, R291W, R59W.
Identifiers: ClinVar variation 4821368 (VCV004821368.4).
Genomic context (GRCh38, chr4:184,678,258, plus strand): 5'-TGCTTTCATATTGTTTTATCAATTTTTGATGTAGGAGTTTATACAAGAAATAGAAACTTT[C>T]GGCTATATAAATCATCAAAAATTGGAAAGCGTGTGGCTTTGGAGGTTACTGAAGATAACA-3'
Protein context (NP_689896.1, residues 281-301): LGVYTRNRNF[Arg291Trp]LYKSSKIGKR